The following is an entry in ClinVar:

NM_007294.4(BRCA1):c.811G>T (p.Val271Leu)

Gene: BRCA1 (BRCA1 DNA repair associated; minus strand). Cytogenetic location: 17q21.31.
Variant type: single nucleotide variant.
Coding change: c.811G>T on transcript NM_007294.4 (MANE Select); coding-DNA position 811, G replaced by T.
Protein change: p.Val271Leu; replaces valine 271 with leucine.
Molecular consequence: missense variant. On other transcripts: intron variant (137), 5 prime UTR variant (2).
Genome position (GRCh38, 1-based): chr17:43,094,720, C>A on the plus strand (G>T on the coding strand, the complement: BRCA1 is on the minus strand). VCF-style: chr17-43094720-C-A. GRCh37 (hg19) VCF-style: chr17-41246737-C-A.
Other names: c.664+24G>T (NM_001408425.1, NM_001408440.1, NM_001408428.1 and 12 more transcripts); c.670+1126G>T (NM_001408419.1, NM_001408422.1, NM_001408418.1 and 2 more transcripts); c.787+24G>T (NM_001408403.1, NM_001407983.1, NM_001407975.1 and 19 more transcripts); c.790+21G>T (NM_001408406.1); c.646+24G>T (NM_001408456.1, NM_001408410.1, NM_001408458.1 and 11 more transcripts); c.643+24G>T (NM_001408465.1, NM_001408463.1, NM_001408462.1 and 3 more transcripts); c.577+24G>T (NM_001408482.1, NM_001408484.1, NM_001408478.1 and 9 more transcripts); c.520+24G>T (NM_001408504.1, NM_001408503.1, NM_001408505.1); and 40 more; short protein forms V271L, V224L, V103L, V182L, V200L, V201L, V268L, V270L.
Identifiers: ClinVar variation 187421 (VCV000187421.15), dbSNP rs80357244, ClinGen allele CA003908.
Genomic context (GRCh38, chr17:43,094,720, plus strand): 5'-ATAAACTGCTGTTCTCATGCTGTAATGAGCTGGCATGAGTATTTGTGCCACATGGCTCCA[C>A]ATGCAAGTTTGAAACAGAACTACCCTGATACTTTTCTGGATGCCTCTCAGCTGCACGCTT-3'
Protein context (NP_009225.1, residues 261-281): YQGSSVSNLH[Val271Leu]EPCGTNTHAS

ClinVar aggregate classification (germline): Conflicting classifications of pathogenicity. Review status: criteria provided, conflicting classifications (1 of 4 stars). 3 submissions from 3 submitters: Uncertain significance (2); Likely benign (1). Last evaluated 2025-01-06.

Conditions:
Hereditary cancer-predisposing syndrome. Also called: Neoplastic Syndromes, Hereditary; Tumor predisposition; Hereditary Cancer Syndrome; Hereditary neoplastic syndrome. Identifiers: Orphanet 140162, MedGen C0027672, MeSH D009386, MONDO:0015356.
Hereditary breast ovarian cancer syndrome. Also called: Hereditary breast and ovarian cancer; Hereditary breast and/or ovarian cancer syndrome; BRCA1- and BRCA2-Associated Hereditary Breast and Ovarian Cancer; Hereditary breast and ovarian cancer syndrome (HBOC); Hereditary breast and ovarian cancer syndrome; Breast and ovarian cancer. Identifiers: Orphanet 145, MedGen C0677776, MeSH D061325, MONDO:0003582. Disease mechanism: loss of function.

Submissions (3):

Labcorp Genetics (formerly Invitae), Labcorp
Classification: Uncertain significance for Hereditary breast ovarian cancer syndrome. Last evaluated: 2025-01-06. Review status: criteria provided, single submitter. Criteria: Invitae Variant Classification Sherloc (09022015). Collection method: clinical testing. Allele origin: germline.
Comment: This sequence change replaces valine, which is neutral and non-polar, with leucine, which is neutral and non-polar, at codon 271 of the BRCA1 protein (p.Val271Leu). This variant is not present in population databases (gnomAD no frequency). This missense change has been observed in individual(s) with a strong family history of breast and/or ovarian cancer and breast cancer (PMID: 15955690, 22476429). ClinVar contains an entry for this variant (Variation ID: 187421). Invitae Evidence Modeling of protein sequence and biophysical properties (such as structural, functional, and spatial information, amino acid conservation, physicochemical variation, residue mobility, and thermodynamic stability) indicates that this missense variant is expected to disrupt BRCA1 protein function with a positive predictive value of 80%. Experimental studies have shown that this missense change does not substantially affect BRCA1 function (PMID: 23867111, 25823446). In summary, the available evidence is currently insufficient to determine the role of this variant in disease. Therefore, it has been classified as a Variant of Uncertain Significance.

Ambry Genetics
Classification: Uncertain significance for Hereditary cancer-predisposing syndrome. Last evaluated: 2024-06-17. Review status: criteria provided, single submitter. Criteria: Ambry Variant Classification Scheme 2023. Collection method: clinical testing. Allele origin: germline.
Comment: The p.V271L variant (also known as c.811G>T), located in coding exon 9 of the BRCA1 gene, results from a G to T substitution at nucleotide position 811. The valine at codon 271 is replaced by leucine, an amino acid with highly similar properties. This alteration has been observed in individuals with personal and/or family history of breast and/or ovarian cancer (W&aacute;rl&aacute;m-Rodenhuis CC et al. Eur. J. Cancer, 2005 Jul;41:1409-15; Lu W et al. Fam. Cancer, 2012 Sep;11:381-5). In addition, this variant had near wildtype function in a homology-directed-repair and cisplatin-sensitivity assay, however, this could not be confirmed by statistical analysis (Bouwman P et al. Cancer Discov, 2013 Oct;3:1142-55). This amino acid position is well conserved in available vertebrate species. In addition, the in silico prediction for this alteration is inconclusive. Based on the available evidence, the clinical significance of this variant remains unclear.

University of Washington Department of Laboratory Medicine, University of Washington
Classification: Likely benign for Hereditary cancer-predisposing syndrome. Last evaluated: 2023-03-23. Review status: criteria provided, single submitter. Criteria: Dines et al. (Genet Med. 2020). Collection method: curation. Allele origin: germline.
Comment: Missense variant in a coldspot region where missense variants are very unlikely to be pathogenic (PMID:31911673).

BRCA1 coldspot (exon 11 using historical exon numbering). Reclassification based on statistical prior probability

Literature cited by the submitters: PubMed 15955690 (cited by Labcorp Genetics (formerly Invitae), Labcorp and Ambry Genetics); PubMed 22476429 (cited by Labcorp Genetics (formerly Invitae), Labcorp and Ambry Genetics); PubMed 23867111 (cited by Labcorp Genetics (formerly Invitae), Labcorp and Ambry Genetics); PubMed 25823446 (cited by Labcorp Genetics (formerly Invitae), Labcorp).